The following is an entry in ClinVar:

NM_017934.7(PHIP):c.4790C>T (p.Ala1597Val)

Genes: IRAK1BP1 (interleukin 1 receptor associated kinase 1 binding protein 1; plus strand), PHIP (PHIP subunit of CUL4-Ring ligase complex; minus strand). Cytogenetic location: 6q14.1.
Variant type: single nucleotide variant.
Coding change: c.4790C>T on transcript NM_017934.7 (MANE Select); coding-DNA position 4790, C replaced by T.
Protein change: p.Ala1597Val; replaces alanine 1597 with valine.
Molecular consequence: missense variant.
Genome position (GRCh38, 1-based): chr6:78,945,338, G>A on the plus strand (C>T on the coding strand, the complement: PHIP is on the minus strand). VCF-style: chr6-78945338-G-A. GRCh37 (hg19) VCF-style: chr6-79655055-G-A.
Other names: c.4790C>T (NM_017934.5, NM_017934.6); short protein forms A1597V.
Identifiers: ClinVar variation 2169917 (VCV002169917.8), dbSNP rs747312156, ClinGen allele CA3899370.
Genomic context (GRCh38, chr6:78,945,338, plus strand): 5'-AAAGATACAAGTAATACCTTACCTTGCTCAATGACAGCTGATGACTTTGAAAGAGTGGAC[G>A]CCTTTGGGAGTACAGATGACTTCATTTTACGTTTGACTGGCTTTTCCTTTTCCATGTTTT-3'
Protein context (NP_060404.4, residues 1587-1607): RKMKSSVLPK[Ala1597Val]STLSKSSAVI

ClinVar aggregate classification (germline): Conflicting classifications of pathogenicity. Review status: criteria provided, conflicting classifications (1 of 4 stars). 3 submissions from 3 submitters: Uncertain significance (1); Likely benign (1). 1 of the submissions does not count toward it. Last evaluated 2023-02-06.

Conditions:
PHIP-related disorder. Also called: PHIP-related condition; PHIP-related disorders.
Inborn genetic diseases. Identifiers: MedGen C0950123, MeSH D030342.

Allele frequency attached by ClinVar (database versions not stated): ExAC 0.00002; gnomAD 0.00003; TOPMed 0.00003.
gnomAD v4.1: 50 of 1,613,436 alleles (0.0031%); highest among the groups gnomAD compares: African/African-American, 0.004%; no homozygotes.

Submissions (3):

Labcorp Genetics (formerly Invitae), Labcorp
Classification: Uncertain significance. Last evaluated: 2023-02-06. Review status: criteria provided, single submitter. Criteria: Invitae Variant Classification Sherloc (09022015). Collection method: clinical testing. Allele origin: germline.
Comment: Advanced modeling of protein sequence and biophysical properties (such as structural, functional, and spatial information, amino acid conservation, physicochemical variation, residue mobility, and thermodynamic stability) performed at Invitae indicates that this missense variant is not expected to disrupt PHIP protein function. In summary, the available evidence is currently insufficient to determine the role of this variant in disease. Therefore, it has been classified as a Variant of Uncertain Significance. This variant has not been reported in the literature in individuals affected with PHIP-related conditions. This variant is present in population databases (rs747312156, gnomAD 0.005%). This sequence change replaces alanine, which is neutral and non-polar, with valine, which is neutral and non-polar, at codon 1597 of the PHIP protein (p.Ala1597Val).

Ambry Genetics
Classification: Likely benign for Inborn genetic diseases. Last evaluated: 2022-06-09. Review status: criteria provided, single submitter. Criteria: Ambry Variant Classification Scheme 2023. Collection method: clinical testing. Allele origin: germline.

PreventionGenetics, part of Exact Sciences
Classification: Uncertain significance for PHIP-related condition. Last evaluated: 2024-02-01. Review status: no assertion criteria provided. Collection method: clinical testing. Allele origin: germline. Not counted in ClinVar's aggregate classification.
Comment: The PHIP c.4790C>T variant is predicted to result in the amino acid substitution p.Ala1597Val. To our knowledge, this variant has not been reported in the literature. This variant is reported in 0.0040% of alleles in individuals of African descent in gnomAD. At this time, the clinical significance of this variant is uncertain due to the absence of conclusive functional and genetic evidence.